The following is an entry in ClinVar:

ClinVar aggregate classification (germline): Uncertain significance (1 of 4 stars; one submission).

Allele frequency attached by ClinVar (database versions not stated): TOPMed below 0.00001; gnomAD 0.00001.
gnomAD v4.1: 9 of 1,613,848 alleles (0.00056%); highest among the groups gnomAD compares: Middle Eastern, 0.017%; no homozygotes.

Submission:

Labcorp Genetics (formerly Invitae), Labcorp
Classification: Uncertain significance. Last evaluated: 2022-10-13. Review status: criteria provided, single submitter. Criteria: Invitae Variant Classification Sherloc (09022015). Collection method: clinical testing. Allele origin: germline.
Comment: In summary, the available evidence is currently insufficient to determine the role of this variant in disease. Therefore, it has been classified as a Variant of Uncertain Significance. Algorithms developed to predict the effect of missense changes on protein structure and function are either unavailable or do not agree on the potential impact of this missense change (SIFT: "Tolerated"; PolyPhen-2: "Probably Damaging"; Align-GVGD: "Class C0"). ClinVar contains an entry for this variant (Variation ID: 1397574). This variant has not been reported in the literature in individuals affected with SARS2-related conditions. This variant is present in population databases (rs756223714, gnomAD 0.003%). This sequence change replaces alanine, which is neutral and non-polar, with serine, which is neutral and polar, at codon 186 of the SARS2 protein (p.Ala186Ser).

NM_017827.4(SARS2):c.556G>T (p.Ala186Ser)

Gene: SARS2 (seryl-tRNA synthetase 2, mitochondrial; minus strand). Cytogenetic location: 19q13.2.
Variant type: single nucleotide variant.
Coding change: c.556G>T on transcript NM_017827.4 (MANE Select); coding-DNA position 556, G replaced by T.
Protein change: p.Ala186Ser; replaces alanine 186 with serine.
Molecular consequence: missense variant.
Genome position (GRCh38, 1-based): chr19:38,921,425, C>A on the plus strand (G>T on the coding strand, the complement: SARS2 is on the minus strand). VCF-style: chr19-38921425-C-A. GRCh37 (hg19) VCF-style: chr19-39412065-C-A.
Other names: c.562G>T, p.Ala188Ser (NM_001145901.2); short protein forms A188S, A186S.
Identifiers: ClinVar variation 1397574 (VCV001397574.6), dbSNP rs756223714, ClinGen allele CA9423137.
Genomic context (GRCh38, chr19:38,921,425, plus strand): 5'-AGCTCCCAGGCCTGGGGTGTGGCCCACCTGGCTTGTCTCCGACCATGTGGAGCACTCGAG[C>A]CTGGCTCTCATCCCCGACGGGCTGCAGGGAGACAGCAGGAGTCACGGAAAGGTGGCACTA-3'
Protein context (NP_060297.1, residues 176-196): PDVPVGDESQ[Ala186Ser]RVLHMVGDKP